The following is an entry in ClinVar:

ClinVar aggregate classification (germline): Uncertain significance. Review status: criteria provided, multiple submitters, no conflicts (2 of 4 stars). 2 submissions from 2 submitters: Uncertain significance (2). Last evaluated 2026-07-31.

Allele frequency attached by ClinVar (database versions not stated): gnomAD exomes below 0.00001.
gnomAD v4.1: 1 of 1,568,018 alleles (0.000064%); highest among the groups gnomAD compares: Non-Finnish European, 0.000088%; no homozygotes.

Submissions (2):

Ambry Genetics
Classification: Uncertain significance. Last evaluated: 2026-07-31. Review status: criteria provided, single submitter. Criteria: Ambry Variant Classification Scheme 2023. Collection method: clinical testing. Allele origin: germline.
Comment: The p.K728* variant (also known as c.2182A>T), located in coding exon 14 of the RINT1 gene, results from an A to T substitution at nucleotide position 2182. This changes the amino acid from a lysine to a stop codon within coding exon 14. This variant occurs at the 3' terminus of the gene and is not expected to trigger nonsense-mediated mRNA decay. The evidence for this gene-disease relationship is limited; therefore, the clinical significance of this variant is unclear.

Labcorp Genetics (formerly Invitae), Labcorp
Classification: Uncertain significance. Last evaluated: 2021-10-25. Review status: criteria provided, single submitter. Criteria: Invitae Variant Classification Sherloc (09022015). Collection method: clinical testing. Allele origin: germline.
Comment: In summary, the available evidence is currently insufficient to determine the role of this variant in disease. Therefore, it has been classified as a Variant of Uncertain Significance. This variant has not been reported in the literature in individuals affected with RINT1-related conditions. This variant is not present in population databases (gnomAD no frequency). This sequence change creates a premature translational stop signal (p.Lys728*) in the RINT1 gene. While this is not anticipated to result in nonsense mediated decay, it is expected to disrupt the last 65 amino acid(s) of the RINT1 protein.

NM_021930.6(RINT1):c.2182A>T (p.Lys728Ter)

Genes: EFCAB10 (EF-hand calcium binding domain 10; minus strand), RINT1 (RAD50 interactor 1; plus strand). Cytogenetic location: 7q22.3.
Variant type: single nucleotide variant.
Coding change: c.2182A>T on transcript NM_021930.6 (MANE Select); coding-DNA position 2182, A replaced by T.
Protein change: p.Lys728Ter; replaces lysine 728 with a stop codon.
Molecular consequence: nonsense. On other transcripts: non-coding transcript variant (1), intron variant (3).
Genome position (GRCh38, 1-based): chr7:105,565,644, A>T. VCF-style: chr7-105565644-A-T. GRCh37 (hg19) VCF-style: chr7-105206091-A-T.
Other names: c.1948A>T, p.Lys650Ter (NM_001346599.2); c.1159A>T, p.Lys387Ter (NM_001346600.2, NM_001346603.2); c.1258A>T, p.Lys420Ter (NM_001346601.2); c.360-197T>A (NM_001355531.2); c.384-197T>A (NM_001355526.2); c.384-29T>A (NM_001355530.2); short protein forms K387*, K728*, K420*, K650*.
Identifiers: ClinVar variation 1439134 (VCV001439134.8), dbSNP rs2133481694, ClinGen allele CA368815327.